The following is an entry in ClinVar:

ClinVar aggregate classification (germline): Uncertain significance (1 of 4 stars; one submission).

Conditions:
Inborn genetic diseases. Identifiers: MedGen C0950123, MeSH D030342.

Submission:

Ambry Genetics
Classification: Uncertain significance for Inborn genetic diseases. Last evaluated: 2025-05-02. Review status: criteria provided, single submitter. Criteria: Ambry Variant Classification Scheme 2023. Collection method: clinical testing. Allele origin: germline.
Comment: The p.V809M variant (also known as c.2425G>A), located in coding exon 12 of the BMPR2 gene, results from a G to A substitution at nucleotide position 2425. The valine at codon 809 is replaced by methionine, an amino acid with highly similar properties. This amino acid position is conserved. In addition, the in silico prediction for this alteration is inconclusive. Based on the available evidence, the clinical significance of this variant remains unclear.

NM_001204.7(BMPR2):c.2425G>A (p.Val809Met)

Gene: BMPR2 (bone morphogenetic protein receptor type 2; plus strand). Cytogenetic location: 2q33.2.
Variant type: single nucleotide variant.
Coding change: c.2425G>A on transcript NM_001204.7 (MANE Select); coding-DNA position 2425, G replaced by A.
Protein change: p.Val809Met; replaces valine 809 with methionine.
Molecular consequence: missense variant.
Genome position (GRCh38, 1-based): chr2:202,556,090, G>A. VCF-style: chr2-202556090-G-A. GRCh37 (hg19) VCF-style: chr2-203420813-G-A.
Other names: short protein forms V809M.
Identifiers: ClinVar variation 3992149 (VCV003992149.1).